The following is an entry in ClinVar:

ClinVar aggregate classification (germline): Uncertain significance. Review status: criteria provided, multiple submitters, no conflicts (2 of 4 stars). 3 submissions from 3 submitters: Uncertain significance (3). Last evaluated 2025-12-15.

Conditions:
Myoclonic dystonia 11 (DYT11). Also called: DYT-SGCE; Myoclonic dystonia; Dystonia 11; Dystonia, alcohol responsive; Hereditary essential myoclonus; SGCE Myoclonus-Dystonia. Identifiers: Orphanet 36899, MedGen C1834570, MONDO:0008044, OMIM 159900.
Inborn genetic diseases. Identifiers: MedGen C0950123, MeSH D030342.

Allele frequency attached by ClinVar (database versions not stated): gnomAD exomes 0.00002 and 0.00003; ExAC 0.00003; TOPMed 0.00003; gnomAD 0.00005 and 0.00006; ESP Exome Variant Server 0.00008.
gnomAD v4.1: 43 of 1,606,574 alleles (0.0027%); highest among the groups gnomAD compares: Middle Eastern, 0.034%; no homozygotes.

Submissions (3):

Labcorp Genetics (formerly Invitae), Labcorp
Classification: Uncertain significance for Myoclonic dystonia 11. Last evaluated: 2025-12-15. Review status: criteria provided, single submitter. Criteria: Invitae Variant Classification Sherloc (09022015). Collection method: clinical testing. Allele origin: germline.
Comment: This sequence change replaces glutamic acid, which is acidic and polar, with lysine, which is basic and polar, at codon 79 of the SGCE protein (p.Glu79Lys). This variant is present in population databases (rs375983969, gnomAD 0.006%). This variant has not been reported in the literature in individuals affected with SGCE-related conditions. ClinVar contains an entry for this variant (Variation ID: 946290). An algorithm developed to predict the effect of missense changes on protein structure and function (PolyPhen-2) suggests that this variant is likely to be tolerated. In summary, the available evidence is currently insufficient to determine the role of this variant in disease. Therefore, it has been classified as a Variant of Uncertain Significance.

Ambry Genetics
Classification: Uncertain significance for Inborn genetic diseases. Last evaluated: 2024-04-22. Review status: criteria provided, single submitter. Criteria: Ambry Variant Classification Scheme 2023. Collection method: clinical testing. Allele origin: germline.

Revvity Omics, Revvity
Classification: Uncertain significance for Myoclonic dystonia 11. Last evaluated: 2019-03-12. Review status: criteria provided, single submitter. Criteria: ACMG Guidelines, 2015. Collection method: clinical testing. Allele origin: germline.

NM_003919.3(SGCE):c.235G>A (p.Glu79Lys)

Genes: CASD1 (CAS1 domain sialic acid O acetyltransferase 1; plus strand), SGCE (sarcoglycan epsilon; minus strand). Cytogenetic location: 7q21.3.
Variant type: single nucleotide variant.
Coding change: c.235G>A on transcript NM_003919.3 (MANE Select); coding-DNA position 235, G replaced by A.
Protein change: p.Glu79Lys; replaces glutamic acid 79 with lysine.
Molecular consequence: missense variant. On other transcripts: 5 prime UTR variant (2).
Genome position (GRCh38, 1-based): chr7:94,628,357, C>T on the plus strand (G>A on the coding strand, the complement: SGCE is on the minus strand). VCF-style: chr7-94628357-C-T. GRCh37 (hg19) VCF-style: chr7-94257669-C-T.
Other names: c.235G>A, p.Glu79Lys (NM_001099400.2, NM_001099401.2, NM_001346717.2); c.112G>A, p.Glu38Lys (NM_001301139.2, NM_001362809.2); c.343G>A, p.Glu115Lys (NM_001346713.2, NM_001346715.2); c.148G>A, p.Glu50Lys (NM_001346719.2, NM_001362807.2); c.-39G>A (NM_001346720.2, NM_001362808.2); short protein forms E38K, E50K, E79K, E115K.
Identifiers: ClinVar variation 946290 (VCV000946290.13), dbSNP rs375983969, ClinGen allele CA4348850.